The following is an entry in ClinVar:

NM_181523.3(PIK3R1):c.1081T>C (p.Ser361Pro)

Gene: PIK3R1 (phosphoinositide-3-kinase regulatory subunit 1; plus strand). Cytogenetic location: 5q13.1.
Variant type: single nucleotide variant.
Coding change: c.1081T>C on transcript NM_181523.3 (MANE Select); coding-DNA position 1081, T replaced by C.
Protein change: p.Ser361Pro; replaces serine 361 with proline.
Molecular consequence: missense variant. On other transcripts: 5 prime UTR variant (1).
Genome position (GRCh38, 1-based): chr5:68,293,162, T>C. VCF-style: chr5-68293162-T-C. GRCh37 (hg19) VCF-style: chr5-67588990-T-C.
Other names: c.-9T>C (NM_001242466.2); c.271T>C, p.Ser91Pro (NM_181504.4); c.181T>C, p.Ser61Pro (NM_181524.2); short protein forms S361P, S61P, S91P.
Identifiers: ClinVar variation 4975893 (VCV004975893.1).

ClinVar aggregate classification (germline): Uncertain significance (1 of 4 stars; one submission).

Submission:

GeneDx
Classification: Uncertain significance. Last evaluated: 2026-01-30. Review status: criteria provided, single submitter. Criteria: GeneDx Variant Classification Process June 2021. Collection method: clinical testing. Allele origin: germline.
Comment: Not observed at significant frequency in large population cohorts (gnomAD); In silico analysis supports that this missense variant has a deleterious effect on protein structure/function; Has not been previously published as pathogenic or benign to our knowledge